The following is an entry in ClinVar:

NM_007294.4(BRCA1):c.2538A>C (p.Glu846Asp)

Gene: BRCA1 (BRCA1 DNA repair associated; minus strand). Cytogenetic location: 17q21.31.
Variant type: single nucleotide variant.
Coding change: c.2538A>C on transcript NM_007294.4 (MANE Select); coding-DNA position 2538, A replaced by C.
Protein change: p.Glu846Asp; replaces glutamic acid 846 with aspartic acid.
Molecular consequence: missense variant. On other transcripts: intron variant (137).
Genome position (GRCh38, 1-based): chr17:43,092,993, T>G on the plus strand (A>C on the coding strand, the complement: BRCA1 is on the minus strand). VCF-style: chr17-43092993-T-G. GRCh37 (hg19) VCF-style: chr17-41245010-T-G.
Other names: c.2394A>C, p.Glu798Asp (NM_001407842.1, NM_001407843.1, NM_001407844.1 and 20 more transcripts); c.2535A>C, p.Glu845Asp (NM_001407860.1, NM_001407861.1, NM_001407587.1 and 22 more transcripts); c.2337A>C, p.Glu779Asp (NM_001407862.1); c.2538A>C, p.Glu846Asp (NM_001407854.1, NM_001407858.1, NM_001407859.1 and 30 more transcripts); c.2415A>C, p.Glu805Asp (NM_001407863.1, NM_001407648.1, NM_001407664.1 and 19 more transcripts); c.2334A>C, p.Glu778Asp (NM_001407874.1, NM_001407875.1); c.2328A>C, p.Glu776Asp (NM_001407879.1, NM_001407881.1, NM_001407882.1 and 13 more transcripts); c.2397A>C, p.Glu799Asp (NM_001407850.1, NM_001407851.1, NM_001407852.1 and 29 more transcripts); and 41 more; short protein forms E846D, E799D, E735D, E757D, E776D, E819D, E719D, E734D.
Identifiers: ClinVar variation 619624 (VCV000619624.17), dbSNP rs1567795266, ClinGen allele CA10596923.
Genomic context (GRCh38, chr17:43,092,993, plus strand): 5'-GCGCTTTGAAACCTTGAATGTATTCTGCAAATACTGAGCATCAAGTTCACTTTCTTCCAT[T>G]TCTATGCTTGTTTCCCGACTGTGGTTAACTTCATGTCCCAATGGATACTTAAAGCCTTCT-3'
Protein context (NP_009225.1, residues 836-856): EVNHSRETSI[Glu846Asp]MEESELDAQY

ClinVar aggregate classification (germline): Conflicting classifications of pathogenicity. Review status: criteria provided, conflicting classifications (1 of 4 stars). 4 submissions from 4 submitters: Uncertain significance (3); Likely benign (1). Last evaluated 2024-09-15.

Conditions:
Hereditary breast ovarian cancer syndrome. Also called: Hereditary breast and ovarian cancer; Hereditary breast and ovarian cancer syndrome (HBOC); Breast and ovarian cancer; BRCA1- and BRCA2-Associated Hereditary Breast and Ovarian Cancer; Hereditary breast and/or ovarian cancer syndrome; Hereditary breast and ovarian cancer syndrome. Identifiers: Orphanet 145, MedGen C0677776, MeSH D061325, MONDO:0003582. Disease mechanism: loss of function.
Hereditary cancer-predisposing syndrome. Also called: Neoplastic Syndromes, Hereditary; Hereditary neoplastic syndrome; Tumor predisposition; Hereditary Cancer Syndrome. Identifiers: Orphanet 140162, MedGen C0027672, MeSH D009386, MONDO:0015356.

Submissions (4):

Labcorp Genetics (formerly Invitae), Labcorp
Classification: Uncertain significance for Hereditary breast ovarian cancer syndrome. Last evaluated: 2024-09-15. Review status: criteria provided, single submitter. Criteria: Invitae Variant Classification Sherloc (09022015). Collection method: clinical testing. Allele origin: germline.
Comment: This sequence change replaces glutamic acid, which is acidic and polar, with aspartic acid, which is acidic and polar, at codon 846 of the BRCA1 protein (p.Glu846Asp). This variant is not present in population databases (gnomAD no frequency). This variant has not been reported in the literature in individuals affected with BRCA1-related conditions. ClinVar contains an entry for this variant (Variation ID: 619624). Invitae Evidence Modeling of protein sequence and biophysical properties (such as structural, functional, and spatial information, amino acid conservation, physicochemical variation, residue mobility, and thermodynamic stability) indicates that this missense variant is not expected to disrupt BRCA1 protein function with a negative predictive value of 95%. In summary, the available evidence is currently insufficient to determine the role of this variant in disease. Therefore, it has been classified as a Variant of Uncertain Significance.

University of Washington Department of Laboratory Medicine, University of Washington
Classification: Likely benign for Hereditary cancer-predisposing syndrome. Last evaluated: 2023-03-23. Review status: criteria provided, single submitter. Criteria: Dines et al. (Genet Med. 2020). Collection method: curation. Allele origin: germline.
Comment: Missense variant in a coldspot region where missense variants are very unlikely to be pathogenic (PMID:31911673).

BRCA1 coldspot (exon 11 using historical exon numbering). Reclassification based on statistical prior probability

Ambry Genetics
Classification: Uncertain significance for Hereditary cancer-predisposing syndrome. Last evaluated: 2021-05-16. Review status: criteria provided, single submitter. Criteria: Ambry Variant Classification Scheme 2023. Collection method: clinical testing. Allele origin: germline.
Comment: The p.E846D variant (also known as c.2538A>C), located in coding exon 9 of the BRCA1 gene, results from an A to C substitution at nucleotide position 2538. The glutamic acid at codon 846 is replaced by aspartic acid, an amino acid with highly similar properties. This amino acid position is well conserved in available vertebrate species. In addition, the in silico prediction for this alteration is inconclusive. Since supporting evidence is limited at this time, the clinical significance of this alteration remains unclear.

Quest Diagnostics Nichols Institute San Juan Capistrano
Classification: Uncertain significance. Last evaluated: 2017-10-06. Review status: criteria provided, single submitter. Criteria: Quest Diagnostics criteria. Collection method: clinical testing. Allele origin: germline.